The following is an entry in ClinVar:

NM_001190737.2(NFIB):c.*41C>G

Gene: NFIB (nuclear factor I B; minus strand). Cytogenetic location: 9p23.
Variant type: single nucleotide variant.
Coding change: c.*41C>G on transcript NM_001190737.2 (MANE Select); 41 bases downstream of the stop codon, C replaced by G.
Molecular consequence: 3 prime UTR variant. On other transcripts: missense variant (13), nonsense (1), non-coding transcript variant (4).
Genome position (GRCh38, 1-based): chr9:14,088,268, G>C on the plus strand (C>G on the coding strand, the complement: NFIB is on the minus strand). VCF-style: chr9-14088268-G-C. GRCh37 (hg19) VCF-style: chr9-14088267-G-C.
Other names: c.*41C>G (NM_001190738.2, NM_001369465.1, NM_001369468.1 and 10 more transcripts); c.859C>G, p.Pro287Ala (NM_001282787.2); c.1708C>G, p.Pro570Ala (NM_001369458.1); c.1681C>G, p.Pro561Ala (NM_001369459.1); c.1630C>G, p.Pro544Ala (NM_001369460.1); c.1615C>G, p.Pro539Ala (NM_001369461.1); c.1459C>G, p.Pro487Ala (NM_001369462.1); c.1458C>G, p.Tyr486Ter (NM_001369463.1); and 7 more; short protein forms P286A, P287A, P390A, P417A, P456A, P461A, P465A, P487A.
Identifiers: ClinVar variation 4873730 (VCV004873730.2).

ClinVar aggregate classification (germline): Likely benign (1 of 4 stars; one submission).

gnomAD v4.1: 2 of 1,594,662 alleles (0.00013%); highest among the groups gnomAD compares: Non-Finnish European, 0.00017%; no homozygotes.

Submission:

CeGaT Center for Human Genetics Tuebingen
Classification: Likely benign. Last evaluated: 2026-06-01. Review status: criteria provided, single submitter. Criteria: CeGaT Center For Human Genetics Tuebingen Variant Classification Criteria Version 2. Collection method: clinical testing. Allele origin: germline. Affected: yes. Observed: 1 variant allele.
Comment: NFIB: BP4